The following is an entry in ClinVar:

ClinVar aggregate classification (germline): Uncertain significance (1 of 4 stars; one submission).

Submission:

Women's Health and Genetics/Laboratory Corporation of America, LabCorp
Classification: Uncertain significance. Last evaluated: 2024-10-22. Review status: criteria provided, single submitter. Criteria: LabCorp Variant Classification Summary - May 2015. Collection method: clinical testing. Allele origin: germline.
Comment: Variant summary: ASH1L c.4987T>C (p.Ser1663Pro) results in a non-conservative amino acid change in the encoded protein sequence. Three of five in-silico tools predict a benign effect of the variant on protein function. Consensus agreement among computation tools predict no significant impact on normal splicing. However, these predictions have yet to be confirmed by functional studies. The variant was absent in 231142 control chromosomes. The available data on variant occurrences in the general population are insufficient to allow any conclusion about variant significance. To our knowledge, no occurrence of c.4987T>C in individuals affected with Intellectual Disability, Autosomal Dominant 52 and no experimental evidence demonstrating its impact on protein function have been reported. No submitters have cited clinical-significance assessments for this variant to ClinVar. Based on the evidence outlined above, the variant was classified as uncertain significance.

NM_018489.3(ASH1L):c.4987T>C (p.Ser1663Pro)

Gene: ASH1L (ASH1 like histone lysine methyltransferase; minus strand). Cytogenetic location: 1q22.
Variant type: single nucleotide variant.
Coding change: c.4987T>C on transcript NM_018489.3 (MANE Select); coding-DNA position 4987, T replaced by C.
Protein change: p.Ser1663Pro; replaces serine 1663 with proline.
Molecular consequence: missense variant.
Genome position (GRCh38, 1-based): chr1:155,459,896, A>G on the plus strand (T>C on the coding strand, the complement: ASH1L is on the minus strand). VCF-style: chr1-155459896-A-G. GRCh37 (hg19) VCF-style: chr1-155429687-A-G.
Other names: c.4987T>C, p.Ser1663Pro (NM_001366177.2); short protein forms S1663P.
Identifiers: ClinVar variation 3385148 (VCV003385148.1).